The following is an entry in ClinVar:

ClinVar aggregate classification (germline): Uncertain significance (1 of 4 stars; one submission).

Conditions:
Brachyolmia-amelogenesis imperfecta syndrome. Also called: Dental anomalies and short stature; PLATYSPONDYLY WITH AMELOGENESIS IMPERFECTA; Tooth agenesis, selective, 6. Identifiers: Orphanet 2899, MedGen C1832594, MONDO:0011018, OMIM 601216. Disease mechanism: loss of function.

Allele frequency attached by ClinVar (database versions not stated): TOPMed below 0.00001; gnomAD 0.00001; ESP Exome Variant Server 0.00008.
gnomAD v4.1: 4 of 1,613,752 alleles (0.00025%); highest among the groups gnomAD compares: Non-Finnish European, 0.00034%; no homozygotes.

Submission:

Labcorp Genetics (formerly Invitae), Labcorp
Classification: Uncertain significance for Brachyolmia-amelogenesis imperfecta syndrome. Last evaluated: 2024-04-04. Review status: criteria provided, single submitter. Criteria: Invitae Variant Classification Sherloc (09022015). Collection method: clinical testing. Allele origin: germline.
Comment: This sequence change replaces arginine, which is basic and polar, with histidine, which is basic and polar, at codon 407 of the LTBP3 protein (p.Arg407His). This variant is present in population databases (rs147206443, gnomAD 0.007%). This variant has not been reported in the literature in individuals affected with LTBP3-related conditions. An algorithm developed to predict the effect of missense changes on protein structure and function (PolyPhen-2) suggests that this variant is likely to be disruptive. In summary, the available evidence is currently insufficient to determine the role of this variant in disease. Therefore, it has been classified as a Variant of Uncertain Significance.

NM_001130144.3(LTBP3):c.1220G>A (p.Arg407His)

Gene: LTBP3 (latent transforming growth factor beta binding protein 3; minus strand). Cytogenetic location: 11q13.1.
Variant type: single nucleotide variant.
Coding change: c.1220G>A on transcript NM_001130144.3 (MANE Select); coding-DNA position 1220, G replaced by A.
Protein change: p.Arg407His; replaces arginine 407 with histidine.
Molecular consequence: missense variant.
Genome position (GRCh38, 1-based): chr11:65,552,373, C>T on the plus strand (G>A on the coding strand, the complement: LTBP3 is on the minus strand). VCF-style: chr11-65552373-C-T. GRCh37 (hg19) VCF-style: chr11-65319844-C-T.
Other names: c.869G>A, p.Arg290His (NM_001164266.1); c.1220G>A, p.Arg407His (NM_021070.4); short protein forms R407H, R290H.
Identifiers: ClinVar variation 2892101 (VCV002892101.3), dbSNP rs147206443, ClinGen allele CA223969086.
Genomic context (GRCh38, chr11:65,552,373, plus strand): 5'-AGCTGGCGGGTCAGGCGGGTGGTCAGTGGGTGCTGGCACTGGTGCTCAGGGCTCACCAGG[C>T]GGAAACACAGGCTCTTCTCCTCCGGTTTGTCTGCTGCAGGGGCCAGTGGGGGGCATGGGC-3'
Protein context (NP_001123616.1, residues 397-417): DKPEEKSLCF[Arg407His]LVSPEHQCQH